The following is an entry in ClinVar:

ClinVar aggregate classification (germline): Conflicting classifications of pathogenicity. Review status: criteria provided, conflicting classifications (1 of 4 stars). 3 submissions from 3 submitters: Uncertain significance (1); Likely benign (2). Last evaluated 2025-11-06.

Conditions:
Immunodeficiency 51 (IMD51). Also called: CANDIDIASIS, FAMILIAL, 5. Identifiers: Orphanet 1334, MedGen C4310803, MONDO:0013500, OMIM 613953.

Allele frequency attached by ClinVar (database versions not stated): ExAC 0.00001; gnomAD 0.00001; gnomAD exomes 0.00001 and 0.00002; TOPMed 0.00001.

Submissions (3):

Ambry Genetics
Classification: Likely benign. Last evaluated: 2025-11-06. Review status: criteria provided, single submitter. Criteria: Ambry Variant Classification Scheme 2023. Collection method: clinical testing. Allele origin: germline.

Labcorp Genetics (formerly Invitae), Labcorp
Classification: Uncertain significance for Immunodeficiency 51. Last evaluated: 2022-07-25. Review status: criteria provided, single submitter. Criteria: Invitae Variant Classification Sherloc (09022015). Collection method: clinical testing. Allele origin: germline.
Comment: This sequence change replaces alanine, which is neutral and non-polar, with valine, which is neutral and non-polar, at codon 94 of the IL17RA protein (p.Ala94Val). This variant is present in population databases (rs755993710, gnomAD 0.002%). This variant has not been reported in the literature in individuals affected with IL17RA-related conditions. ClinVar contains an entry for this variant (Variation ID: 1469957). Algorithms developed to predict the effect of missense changes on protein structure and function output the following: SIFT: "Tolerated"; PolyPhen-2: "Benign"; Align-GVGD: "Class C0". The valine amino acid residue is found in multiple mammalian species, which suggests that this missense change does not adversely affect protein function. In summary, the available evidence is currently insufficient to determine the role of this variant in disease. Therefore, it has been classified as a Variant of Uncertain Significance.

Blueprint Genetics
Classification: Likely benign. Last evaluated: 2021-05-01. Review status: criteria provided, single submitter. Criteria: ACMG Guidelines, 2015. Collection method: clinical testing. Allele origin: germline.

NM_014339.7(IL17RA):c.281C>T (p.Ala94Val)

Gene: IL17RA (interleukin 17 receptor A; plus strand). Cytogenetic location: 22q11.1.
Variant type: single nucleotide variant.
Coding change: c.281C>T on transcript NM_014339.7 (MANE Select); coding-DNA position 281, C replaced by T.
Protein change: p.Ala94Val; replaces alanine 94 with valine.
Molecular consequence: missense variant.
Genome position (GRCh38, 1-based): chr22:17,097,914, C>T. VCF-style: chr22-17097914-C-T. GRCh37 (hg19) VCF-style: chr22-17578804-C-T.
Other names: c.281C>T (NM_014339.5); c.281C>T, p.Ala94Val (NM_001289905.2); short protein forms A94V.
Identifiers: ClinVar variation 1469957 (VCV001469957.5), dbSNP rs755993710, ClinGen allele CA10086282.